The following is an entry in ClinVar:

NM_030957.4(ADAMTS10):c.2982C>G (p.Thr994=)

Gene: ADAMTS10 (ADAM metallopeptidase with thrombospondin type 1 motif 10; minus strand). Cytogenetic location: 19p13.2.
Variant type: single nucleotide variant.
Coding change: c.2982C>G on transcript NM_030957.4 (MANE Select); coding-DNA position 2982, C replaced by G.
Protein change: p.Thr994=; no amino-acid change (threonine 994 retained).
Molecular consequence: synonymous variant.
Genome position (GRCh38, 1-based): chr19:8,585,192, G>C on the plus strand (C>G on the coding strand, the complement: ADAMTS10 is on the minus strand). VCF-style: chr19-8585192-G-C. GRCh37 (hg19) VCF-style: chr19-8650076-G-C.
Other names: c.2982C>G (NM_030957.3); c.1443C>G, p.Thr481= (NM_001282352.2).
Identifiers: ClinVar variation 1533448 (VCV001533448.12), dbSNP rs538097886, ClinGen allele CA9159985.

ClinVar aggregate classification (germline): Benign/Likely benign. Review status: criteria provided, multiple submitters, no conflicts (2 of 4 stars). 4 submissions from 4 submitters: Benign (2); Likely benign (1). 1 of the submissions does not count toward it. Last evaluated 2025-12-06.

Conditions:
ADAMTS10-related disorder. Also called: ADAMTS10-related condition.

Allele frequency attached by ClinVar (database versions not stated): gnomAD exomes 0.00005 and 0.00023; 1000 Genomes Project 30x 0.00047; 1000 Genomes Project 0.00060; gnomAD 0.00068 and 0.00075; TOPMed 0.00080; ExAC 0.00403.
gnomAD v4.1: 169 of 1,417,898 alleles (0.012%); highest among the groups gnomAD compares: African/African-American, 0.21%; no homozygotes.

Submissions (4):

Labcorp Genetics (formerly Invitae), Labcorp
Classification: Benign. Last evaluated: 2025-12-06. Review status: criteria provided, single submitter. Criteria: Invitae Variant Classification Sherloc (09022015). Collection method: clinical testing. Allele origin: germline.

Blueprint Genetics
Classification: Likely benign. Last evaluated: 2024-06-05. Review status: criteria provided, single submitter. Criteria: ACMG Guidelines, 2015. Collection method: clinical testing. Allele origin: germline.

Breakthrough Genomics
Classification: Benign. Review status: criteria provided, single submitter. Criteria: ACMG Guidelines, 2015. Collection method: not provided. Allele origin: germline. Inheritance: Autosomal recessive inheritance. Affected: yes.

PreventionGenetics, part of Exact Sciences
Classification: Likely benign for ADAMTS10-related condition. Last evaluated: 2019-10-17. Review status: no assertion criteria provided. Collection method: clinical testing. Allele origin: germline. Not counted in ClinVar's aggregate classification.
Comment: This variant is classified as likely benign based on ACMG/AMP sequence variant interpretation guidelines (Richards et al. 2015 PMID: 25741868, with internal and published modifications).